The following is an entry in ClinVar:

NM_005515.4(MNX1):c.904G>A (p.Ala302Thr)

Gene: MNX1 (motor neuron and pancreas homeobox 1; minus strand). Cytogenetic location: 7q36.3.
Variant type: single nucleotide variant.
Coding change: c.904G>A on transcript NM_005515.4 (MANE Select); coding-DNA position 904, G replaced by A.
Protein change: p.Ala302Thr; replaces alanine 302 with threonine.
Molecular consequence: missense variant.
Genome position (GRCh38, 1-based): chr7:157,005,822, C>T on the plus strand (G>A on the coding strand, the complement: MNX1 is on the minus strand). VCF-style: chr7-157005822-C-T. GRCh37 (hg19) VCF-style: chr7-156798516-C-T.
Other names: c.268G>A, p.Ala90Thr (NM_001165255.2); short protein forms A90T, A302T.
Identifiers: ClinVar variation 2800311 (VCV002800311.3), dbSNP rs1254837124, ClinGen allele CA370162033.

ClinVar aggregate classification (germline): Uncertain significance (1 of 4 stars; one submission).

gnomAD v4.1: 1 of 1,612,356 alleles (0.000062%); no homozygotes.

Submission:

Labcorp Genetics (formerly Invitae), Labcorp
Classification: Uncertain significance. Last evaluated: 2023-03-24. Review status: criteria provided, single submitter. Criteria: Invitae Variant Classification Sherloc (09022015). Collection method: clinical testing. Allele origin: germline.
Comment: This sequence change replaces alanine, which is neutral and non-polar, with threonine, which is neutral and polar, at codon 302 of the MNX1 protein (p.Ala302Thr). This variant is not present in population databases (gnomAD no frequency). This variant has not been reported in the literature in individuals affected with MNX1-related conditions. Advanced modeling of protein sequence and biophysical properties (such as structural, functional, and spatial information, amino acid conservation, physicochemical variation, residue mobility, and thermodynamic stability) has been performed at Invitae for this missense variant, however the output from this modeling did not meet the statistical confidence thresholds required to predict the impact of this variant on MNX1 protein function. In summary, the available evidence is currently insufficient to determine the role of this variant in disease. Therefore, it has been classified as a Variant of Uncertain Significance.